The following is an entry in ClinVar:

ClinVar aggregate classification (germline): Uncertain significance (1 of 4 stars; one submission).

Conditions:
Familial sleep-related hypermotor epilepsy. Also called: Autosomal Dominant Sleep-Related Hypermotor (Hyperkinetic) Epilepsy. Identifiers: Orphanet 98784, MedGen C3696898, MONDO:0000030.

Allele frequency attached by ClinVar (database versions not stated): gnomAD exomes below 0.00001.

Submission:

Labcorp Genetics (formerly Invitae), Labcorp
Classification: Uncertain significance. Last evaluated: 2025-01-06. Review status: criteria provided, single submitter. Criteria: Invitae Variant Classification Sherloc (09022015). Collection method: clinical testing. Allele origin: germline.
Comment: This sequence change replaces arginine, which is basic and polar, with histidine, which is basic and polar, at codon 25 of the CHRNA4 protein (p.Arg25His). This variant is not present in population databases (gnomAD no frequency). This variant has not been reported in the literature in individuals affected with CHRNA4-related conditions. This missense change has been observed in at least one individual who was not affected with CHRNA4-related conditions (internal data). ClinVar contains an entry for this variant (Variation ID: 2858921). An algorithm developed to predict the effect of missense changes on protein structure and function (PolyPhen-2) suggests that this variant is likely to be tolerated. In summary, the available evidence is currently insufficient to determine the role of this variant in disease. Therefore, it has been classified as a Variant of Uncertain Significance.

NM_000744.7(CHRNA4):c.74G>A (p.Arg25His)

Genes: CHRNA4 (cholinergic receptor nicotinic alpha 4 subunit; minus strand), LOC100130587 (uncharacterized LOC100130587; plus strand). Cytogenetic location: 20q13.33.
Variant type: single nucleotide variant.
Coding change: c.74G>A on transcript NM_000744.7 (MANE Select); coding-DNA position 74, G replaced by A.
Protein change: p.Arg25His; replaces arginine 25 with histidine.
Molecular consequence: missense variant. On other transcripts: non-coding transcript variant (1), intron variant (1).
Genome position (GRCh38, 1-based): chr20:63,361,092, C>T on the plus strand (G>A on the coding strand, the complement: CHRNA4 is on the minus strand). VCF-style: chr20-63361092-C-T. GRCh37 (hg19) VCF-style: chr20-61992444-C-T.
Other names: c.-471+85G>A (NM_001256573.2); short protein forms R25H.
Identifiers: ClinVar variation 2858921 (VCV002858921.3), dbSNP rs1262817628, ClinGen allele CA409644752.